The following is an entry in ClinVar:

NM_001348800.3(ZBTB20):c.1550C>G (p.Ala517Gly)

Gene: ZBTB20 (zinc finger and BTB domain containing 20; minus strand). Cytogenetic location: 3q13.31.
Variant type: single nucleotide variant.
Coding change: c.1550C>G on transcript NM_001348800.3 (MANE Select); coding-DNA position 1550, C replaced by G.
Protein change: p.Ala517Gly; replaces alanine 517 with glycine.
Molecular consequence: missense variant.
Genome position (GRCh38, 1-based): chr3:114,350,528, G>C on the plus strand (C>G on the coding strand, the complement: ZBTB20 is on the minus strand). VCF-style: chr3-114350528-G-C. GRCh37 (hg19) VCF-style: chr3-114069375-G-C.
Other names: c.1550C>G, p.Ala517Gly (NM_001164342.2, NM_001348803.3, NM_001393393.1 and 1 more transcripts); c.1331C>G, p.Ala444Gly (NM_001164343.2, NM_001164344.4, NM_001164345.4 and 9 more transcripts); short protein forms A517G, A444G.
Identifiers: ClinVar variation 3688638 (VCV003688638.2).

ClinVar aggregate classification (germline): Uncertain significance (1 of 4 stars; one submission).

Submission:

Labcorp Genetics (formerly Invitae), Labcorp
Classification: Uncertain significance. Last evaluated: 2024-07-31. Review status: criteria provided, single submitter. Criteria: Invitae Variant Classification Sherloc (09022015). Collection method: clinical testing. Allele origin: germline.
Comment: This sequence change replaces alanine, which is neutral and non-polar, with glycine, which is neutral and non-polar, at codon 517 of the ZBTB20 protein (p.Ala517Gly). This variant is not present in population databases (gnomAD no frequency). This variant has not been reported in the literature in individuals affected with ZBTB20-related conditions. Advanced modeling of protein sequence and biophysical properties (such as structural, functional, and spatial information, amino acid conservation, physicochemical variation, residue mobility, and thermodynamic stability) performed at Invitae indicates that this missense variant is not expected to disrupt ZBTB20 protein function with a negative predictive value of 95%. In summary, the available evidence is currently insufficient to determine the role of this variant in disease. Therefore, it has been classified as a Variant of Uncertain Significance.